The following is an entry in ClinVar:

ClinVar aggregate classification (germline): Uncertain significance (1 of 4 stars; one submission).

Conditions:
DICER1-related tumor predisposition. Also called: DICER1 syndrome; DICER1-related pleuropulmonary blastoma cancer predisposition syndrome. Identifiers: Orphanet 284343, MedGen C3839822, MONDO:0100216.

Submission:

Labcorp Genetics (formerly Invitae), Labcorp
Classification: Uncertain significance for DICER1-related tumor predisposition. Last evaluated: 2022-06-27. Review status: criteria provided, single submitter. Criteria: Invitae Variant Classification Sherloc (09022015). Collection method: clinical testing. Allele origin: germline.
Comment: This variant has not been reported in the literature in individuals affected with DICER1-related conditions. In summary, the available evidence is currently insufficient to determine the role of this variant in disease. Therefore, it has been classified as a Variant of Uncertain Significance. Algorithms developed to predict the effect of missense changes on protein structure and function (SIFT, PolyPhen-2, Align-GVGD) all suggest that this variant is likely to be tolerated. This variant is not present in population databases (gnomAD no frequency). This sequence change replaces serine, which is neutral and polar, with leucine, which is neutral and non-polar, at codon 1084 of the DICER1 protein (p.Ser1084Leu).

NM_177438.3(DICER1):c.3251C>T (p.Ser1084Leu)

Gene: DICER1 (dicer 1, ribonuclease III; minus strand). Cytogenetic location: 14q32.13.
Variant type: single nucleotide variant.
Coding change: c.3251C>T on transcript NM_177438.3 (MANE Select); coding-DNA position 3251, C replaced by T.
Protein change: p.Ser1084Leu; replaces serine 1084 with leucine.
Molecular consequence: missense variant.
Genome position (GRCh38, 1-based): chr14:95,105,089, G>A on the plus strand (C>T on the coding strand, the complement: DICER1 is on the minus strand). VCF-style: chr14-95105089-G-A. GRCh37 (hg19) VCF-style: chr14-95571426-G-A.
Other names: c.3251C>T, p.Ser1084Leu (NM_001195573.1, NM_001271282.3, NM_001291628.2 and 1 more transcripts); short protein forms S1084L.
Identifiers: ClinVar variation 1506499 (VCV001506499.9), dbSNP rs2139985444, ClinGen allele CA390876316.
Genomic context (GRCh38, chr14:95,105,089, plus strand): 5'-TCTCATGATCTGTGTTCTTTCTGGCTGACTGCACAGGCATACCTAAAATCCGCAGGAAGT[G>A]ATCTGACTCCCACGCCAGCATCGCTGGCAGTCTGGGCTCTTAGCTCCTCTGCAGTCAAAA-3'
Protein context (NP_803187.1, residues 1074-1094): TASDAGVGVR[Ser1084Leu]LPADFRYPNL